The following is an entry in ClinVar:

NM_018972.4(GDAP1):c.618G>T (p.Lys206Asn)

Gene: GDAP1 (ganglioside induced differentiation associated protein 1; plus strand). Cytogenetic location: 8q21.11.
Variant type: single nucleotide variant.
Coding change: c.618G>T on transcript NM_018972.4 (MANE Select); coding-DNA position 618, G replaced by T.
Protein change: p.Lys206Asn; replaces lysine 206 with asparagine.
Molecular consequence: missense variant.
Genome position (GRCh38, 1-based): chr8:74,362,977, G>T. VCF-style: chr8-74362977-G-T. GRCh37 (hg19) VCF-style: chr8-75275212-G-T.
Other names: c.414G>T, p.Lys138Asn (NM_001040875.4); c.291G>T, p.Lys97Asn (NM_001362929.2, NM_001362932.2); c.444G>T, p.Lys148Asn (NM_001362930.2); c.618G>T, p.Lys206Asn (NM_001362931.2); short protein forms K148N, K206N, K138N, K97N.
Identifiers: ClinVar variation 1462966 (VCV001462966.8), dbSNP rs780629692, ClinGen allele CA371549534.

ClinVar aggregate classification (germline): Uncertain significance (1 of 4 stars; one submission).

Conditions:
Charcot-Marie-Tooth disease type 4A. Also called: Charcot-Marie-Tooth disease, demyelinating, autosomal recessive, type 4a. Identifiers: Orphanet 99948, MedGen C1859198, MONDO:0008961, OMIM 214400.

Submission:

Labcorp Genetics (formerly Invitae), Labcorp
Classification: Uncertain significance for Charcot-Marie-Tooth disease type 4A. Last evaluated: 2021-05-01. Review status: criteria provided, single submitter. Criteria: Invitae Variant Classification Sherloc (09022015). Collection method: clinical testing. Allele origin: germline.
Comment: Advanced modeling of protein sequence and biophysical properties (such as structural, functional, and spatial information, amino acid conservation, physicochemical variation, residue mobility, and thermodynamic stability) performed at Invitae indicates that this missense variant is expected to disrupt GDAP1 protein function. In summary, the available evidence is currently insufficient to determine the role of this variant in disease. Therefore, it has been classified as a Variant of Uncertain Significance. This sequence change replaces lysine with asparagine at codon 206 of the GDAP1 protein (p.Lys206Asn). The lysine residue is highly conserved and there is a moderate physicochemical difference between lysine and asparagine. This variant is not present in population databases (ExAC no frequency). This variant has not been reported in the literature in individuals with GDAP1-related conditions.